The following is an entry in ClinVar:

ClinVar aggregate classification (germline): Uncertain significance (1 of 4 stars; one submission).

Allele frequency attached by ClinVar (database versions not stated): gnomAD exomes below 0.00001 and 0.00001; TOPMed below 0.00001; ExAC 0.00001; gnomAD 0.00001.
gnomAD v4.1: 4 of 1,613,698 alleles (0.00025%); highest among the groups gnomAD compares: Middle Eastern, 0.016%; no homozygotes.

Submission:

Labcorp Genetics (formerly Invitae), Labcorp
Classification: Uncertain significance. Last evaluated: 2021-03-25. Review status: criteria provided, single submitter. Criteria: Invitae Variant Classification Sherloc (09022015). Collection method: clinical testing. Allele origin: germline.
Comment: This variant has not been reported in the literature in individuals with IMPDH1-related conditions. This variant is present in population databases (rs143391643, ExAC 0.01%). This sequence change replaces serine with leucine at codon 529 of the IMPDH1 protein (p.Ser529Leu). The serine residue is highly conserved and there is a large physicochemical difference between serine and leucine. In summary, the available evidence is currently insufficient to determine the role of this variant in disease. Therefore, it has been classified as a Variant of Uncertain Significance. Algorithms developed to predict the effect of missense changes on protein structure and function are either unavailable or do not agree on the potential impact of this missense change (SIFT: "Deleterious"; PolyPhen-2: "Possibly Damaging"; Align-GVGD: "Class C0").

NM_000883.4(IMPDH1):c.1586C>T (p.Ser529Leu)

Gene: IMPDH1 (inosine monophosphate dehydrogenase 1; minus strand). Cytogenetic location: 7q32.1.
Variant type: single nucleotide variant.
Coding change: c.1586C>T on transcript NM_000883.4 (MANE Select); coding-DNA position 1586, C replaced by T.
Protein change: p.Ser529Leu; replaces serine 529 with leucine.
Molecular consequence: missense variant.
Genome position (GRCh38, 1-based): chr7:128,394,564, G>A on the plus strand (C>T on the coding strand, the complement: IMPDH1 is on the minus strand). VCF-style: chr7-128394564-G-A. GRCh37 (hg19) VCF-style: chr7-128034618-G-A.
Other names: c.1556C>T, p.Ser519Leu (NM_001102605.2); c.1331C>T, p.Ser444Leu (NM_001142573.2); c.1316C>T, p.Ser439Leu (NM_001142574.2); c.1256C>T, p.Ser419Leu (NM_001142575.2); c.1487C>T, p.Ser496Leu (NM_001142576.2); c.1379C>T, p.Ser460Leu (NM_001304521.2); c.1478C>T, p.Ser493Leu (NM_183243.3); short protein forms S529L, S419L, S439L, S444L, S493L, S496L, S519L, S460L.
Identifiers: ClinVar variation 1385880 (VCV001385880.8), dbSNP rs143391643, ClinGen allele CA4470779.
Genomic context (GRCh38, chr7:128,394,564, plus strand): 5'-ATGCCTGCTATGAGGTAGGGCACGAACTTCTGAATGGATCCTTTGTCCTGGATGGAGCCC[G>A]AGACACCCTGCGCGATCTTCACTTTATCCCCCTCGCTGCGTGGAGGGTGGAAGACTGAGC-3'
Protein context (NP_000874.2, residues 519-539): GDKVKIAQGV[Ser529Leu]GSIQDKGSIQ